The following is an entry in ClinVar:

ClinVar aggregate classification (germline): Likely benign. Review status: criteria provided, single submitter (1 of 4 stars). 2 submissions from 2 submitters: Likely benign (1). 1 of the submissions does not count toward it. Last evaluated 2024-10-12.

Conditions:
FAH-related disorder. Also called: FAH-related condition.
Tyrosinemia type I (TYRSN1). Also called: Tyrosinemia type 1; Fumarylacetoacetase deficiency; Deficiency of fumarylacetoacetase; HEPATORENAL TYROSINEMIA; FAH DEFICIENCY. Identifiers: Orphanet 882, MedGen C0268490, MONDO:0010161, OMIM 276700. Disease mechanism: loss of function.

Allele frequency attached by ClinVar (database versions not stated): ESP Exome Variant Server 0.00015.
gnomAD v4.1: 21 of 1,613,932 alleles (0.0013%); highest among the groups gnomAD compares: Non-Finnish European, 0.0018%; no homozygotes.

Submissions (2):

Labcorp Genetics (formerly Invitae), Labcorp
Classification: Likely benign for Tyrosinemia type I. Last evaluated: 2024-10-12. Review status: criteria provided, single submitter. Criteria: Invitae Variant Classification Sherloc (09022015). Collection method: clinical testing. Allele origin: germline.

PreventionGenetics, part of Exact Sciences
Classification: Likely benign for FAH-related condition. Last evaluated: 2022-09-15. Review status: no assertion criteria provided. Collection method: clinical testing. Allele origin: germline. Not counted in ClinVar's aggregate classification.
Comment: This variant is classified as likely benign based on ACMG/AMP sequence variant interpretation guidelines (Richards et al. 2015 PMID: 25741868, with internal and published modifications).

NM_000137.4(FAH):c.441G>T (p.Ala147=)

Gene: FAH (fumarylacetoacetate hydrolase; plus strand). Cytogenetic location: 15q25.1.
Variant type: single nucleotide variant.
Coding change: c.441G>T on transcript NM_000137.4 (MANE Select); coding-DNA position 441, G replaced by T.
Protein change: p.Ala147=; no amino-acid change (alanine 147 retained).
Molecular consequence: synonymous variant.
Genome position (GRCh38, 1-based): chr15:80,162,322, G>T. VCF-style: chr15-80162322-G-T. GRCh37 (hg19) VCF-style: chr15-80454664-G-T.
Other names: c.441G>T (NM_000137.2); c.441G>T, p.Ala147= (NM_001374377.1, NM_001374380.1).
Identifiers: ClinVar variation 1092806 (VCV001092806.11), dbSNP rs141863249, ClinGen allele CA7691156.